The following is an entry in ClinVar:

ClinVar aggregate classification (germline): Uncertain significance (1 of 4 stars; one submission).

Allele frequency attached by ClinVar (database versions not stated): gnomAD 0.00002; TOPMed 0.00002; ExAC 0.00003.
gnomAD v4.1: 20 of 1,613,762 alleles (0.0012%); highest among the groups gnomAD compares: African/African-American, 0.004%; no homozygotes.

Submission:

Labcorp Genetics (formerly Invitae), Labcorp
Classification: Uncertain significance. Last evaluated: 2023-05-22. Review status: criteria provided, single submitter. Criteria: Invitae Variant Classification Sherloc (09022015). Collection method: clinical testing. Allele origin: germline.
Comment: In summary, the available evidence is currently insufficient to determine the role of this variant in disease. Therefore, it has been classified as a Variant of Uncertain Significance. An algorithm developed to predict the effect of missense changes on protein structure and function (PolyPhen-2) suggests that this variant is likely to be disruptive. This variant has not been reported in the literature in individuals affected with HMCN1-related conditions. This variant is present in population databases (rs765175348, gnomAD 0.04%). This sequence change replaces arginine, which is basic and polar, with glutamine, which is neutral and polar, at codon 3567 of the HMCN1 protein (p.Arg3567Gln).

NM_031935.3(HMCN1):c.10700G>A (p.Arg3567Gln)

Gene: HMCN1 (hemicentin 1; plus strand). Cytogenetic location: 1q31.1.
Variant type: single nucleotide variant.
Coding change: c.10700G>A on transcript NM_031935.3 (MANE Select); coding-DNA position 10700, G replaced by A.
Protein change: p.Arg3567Gln; replaces arginine 3567 with glutamine.
Molecular consequence: missense variant.
Genome position (GRCh38, 1-based): chr1:186,103,598, G>A. VCF-style: chr1-186103598-G-A. GRCh37 (hg19) VCF-style: chr1-186072730-G-A.
Other names: short protein forms R3567Q.
Identifiers: ClinVar variation 3016013 (VCV003016013.3), dbSNP rs765175348, ClinGen allele CA1293791.